The following is an entry in ClinVar:

ClinVar aggregate classification (germline): Uncertain significance. Review status: criteria provided, multiple submitters, no conflicts (2 of 4 stars). 3 submissions from 3 submitters: Uncertain significance (3). Last evaluated 2026-02-01.

Conditions:
Inborn genetic diseases. Identifiers: MedGen C0950123, MeSH D030342.

Allele frequency attached by ClinVar (database versions not stated): ESP Exome Variant Server 0.00008.
gnomAD v4.1: 7 of 1,563,748 alleles (0.00045%); highest among the groups gnomAD compares: Admixed American, 0.0019%; no homozygotes.

Submissions (3):

CeGaT Center for Human Genetics Tuebingen
Classification: Uncertain significance. Last evaluated: 2026-02-01. Review status: criteria provided, single submitter. Criteria: CeGaT Center For Human Genetics Tuebingen Variant Classification Criteria Version 2. Collection method: clinical testing. Allele origin: germline. Affected: yes. Observed: 1 variant allele.
Comment: IGF2: PM2:Supporting

Labcorp Genetics (formerly Invitae), Labcorp
Classification: Uncertain significance. Last evaluated: 2024-11-28. Review status: criteria provided, single submitter. Criteria: Invitae Variant Classification Sherloc (09022015). Collection method: clinical testing. Allele origin: germline.
Comment: This sequence change replaces alanine, which is neutral and non-polar, with serine, which is neutral and polar, at codon 167 of the IGF2 protein (p.Ala167Ser). The frequency data for this variant in the population databases is considered unreliable, as metrics indicate poor data quality at this position in the gnomAD database. This variant has not been reported in the literature in individuals affected with IGF2-related conditions. ClinVar contains an entry for this variant (Variation ID: 2223330). An algorithm developed to predict the effect of missense changes on protein structure and function (PolyPhen-2) suggests that this variant is likely to be tolerated. In summary, the available evidence is currently insufficient to determine the role of this variant in disease. Therefore, it has been classified as a Variant of Uncertain Significance.

Ambry Genetics
Classification: Uncertain significance for Inborn genetic diseases. Last evaluated: 2021-09-01. Review status: criteria provided, single submitter. Criteria: Ambry Variant Classification Scheme 2023. Collection method: clinical testing. Allele origin: germline.

NM_000612.6(IGF2):c.499G>T (p.Ala167Ser)

Genes: IGF2 (insulin like growth factor 2; minus strand), INS-IGF2 (INS-IGF2 readthrough; minus strand). Cytogenetic location: 11p15.5.
Variant type: single nucleotide variant.
Coding change: c.499G>T on transcript NM_000612.6 (MANE Select); coding-DNA position 499, G replaced by T.
Protein change: p.Ala167Ser; replaces alanine 167 with serine.
Molecular consequence: missense variant. On other transcripts: non-coding transcript variant (1).
Genome position (GRCh38, 1-based): chr11:2,133,031, C>A on the plus strand (G>T on the coding strand, the complement: IGF2 is on the minus strand). VCF-style: chr11-2133031-C-A. GRCh37 (hg19) VCF-style: chr11-2154261-C-A.
Other names: c.499G>T, p.Ala167Ser (NM_001291862.3, NM_001007139.6, NM_001291861.3); c.667G>T, p.Ala223Ser (NM_001127598.3); short protein forms A167S, A223S.
Identifiers: ClinVar variation 2223330 (VCV002223330.13), dbSNP rs377316111, ClinGen allele CA5817592.